The following is an entry in ClinVar:

NM_031475.3(ESPN):c.1703C>T (p.Ser568Phe)

Gene: ESPN (espin; plus strand). Cytogenetic location: 1p36.31.
Variant type: single nucleotide variant.
Coding change: c.1703C>T on transcript NM_031475.3 (MANE Select); coding-DNA position 1703, C replaced by T.
Protein change: p.Ser568Phe; replaces serine 568 with phenylalanine.
Molecular consequence: missense variant. On other transcripts: intron variant (2).
Genome position (GRCh38, 1-based): chr1:6,448,879, C>T. VCF-style: chr1-6448879-C-T. GRCh37 (hg19) VCF-style: chr1-6508939-C-T.
Other names: c.1627-14C>T (NM_001367474.1, NM_001367473.1); short protein forms S568F.
Identifiers: ClinVar variation 4881763 (VCV004881763.3).

ClinVar aggregate classification (germline): Uncertain significance. Review status: criteria provided, multiple submitters, no conflicts (2 of 4 stars). 2 submissions from 2 submitters: Uncertain significance (2). Last evaluated 2025-08-02.

gnomAD v4.1: 9 of 1,316,284 alleles (0.00068%); highest among the groups gnomAD compares: Non-Finnish European, 0.00087%; no homozygotes.

Submissions (2):

Dasa
Classification: Uncertain significance. Last evaluated: 2025-08-02. Review status: criteria provided, single submitter. Criteria: DASA Assertion Criteria. Collection method: clinical testing. Allele origin: germline.
Comment: NM_031475.3(ESPN):c.1703C>T (p.Ser568Phe) is a missense variant that results in the substitution of serine with phenylalanine. This variant is rare in population databases. Computational prediction algorithms are consistent with a benign effect. The currently available literature and clinical evidence are not sufficient to establish a definitive association between this variant and the reported condition. Therefore, this variant is classified as a variant of uncertain significance.

Blueprint Genetics
Classification: Uncertain significance. Last evaluated: 2022-07-14. Review status: criteria provided, single submitter. Criteria: ACMG Guidelines, 2015. Collection method: clinical testing. Allele origin: germline.